The following is an entry in ClinVar:

ClinVar aggregate classification (germline): Pathogenic (1 of 4 stars; one submission).

Submission:

ISCA site 4
Classification: Pathogenic. Last evaluated: 2011-08-12. Review status: criteria provided, single submitter. Criteria: Kaminsky et al. (Genet Med. 2011). Collection method: clinical testing. Allele origin: unknown. Affected: yes. Observed: 1 variant allele.
Comment: Copy number variation identified through the course of routine clinical cytogenomic testing in postnatal populations. Clinical assertions have been curated as described in Kaminsky et al. 2011.

GRCh38/hg38 1p36.33-36.31(chr1:844347-6477436)x1

Genes: ACAP3 (ArfGAP with coiled-coil, ankyrin repeat and PH domains 3; minus strand), ACOT7 (acyl-CoA thioesterase 7; minus strand), ACTRT2 (actin related protein T2; plus strand), AGRN (agrin; plus strand), AJAP1 (adherens junctions associated protein 1; plus strand) and 398 more. Cytogenetic location: 1p36.33-36.31.
Variant type: copy number loss.
Change: copy number 1 (one copy instead of two) of chr1:844,347-6,477,436 (5.63 Mb, GRCh38 coordinates, 1-based), cytogenetic band 1p36.33-36.31.
Identifiers: ClinVar variation 57440 (VCV000057440.1).